The following is an entry in ClinVar:

ClinVar aggregate classification (germline): Likely pathogenic. Review status: no assertion criteria provided (0 of 4 stars). 2 submissions from 2 submitters: Likely pathogenic (2). Last evaluated 2025-01-01.

Conditions:
Type 2 diabetes mellitus. Also called: Type II diabetes mellitus. Identifiers: MedGen C0011860, MeSH D003924, MONDO:0005148, OMIM 125853, HP:0005978.
Joubert syndrome. Also called: JOUBERT-BOLTSHAUSER SYNDROME; Familial aplasia of the vermis. Identifiers: Orphanet 475, MedGen C5979921, MONDO:0018772.

Allele frequency attached by ClinVar (database versions not stated): gnomAD exomes below 0.00001 and 0.00001; ExAC 0.00001; TOPMed 0.00003; gnomAD 0.00004.

Submissions (2):

Gene Friend Way, National Innovation Center
Classification: Likely pathogenic for Type 2 diabetes mellitus. Last evaluated: 2025-01-01. Review status: no assertion criteria provided. Collection method: clinical testing. Allele origin: unknown. Affected: yes. Observed: 1 variant allele.
Comment: This variant is rare in the gnomAD, ExAC database. IFT38, also known as CLUAP1 is located in a region of the genome that has been identified in GWAS as being associated with BMI and type 2 diabetes (PMID: 32999275; 30297969).

Biesecker Lab/Clinical Genomics Section, National Institutes of Health
Classification: Likely pathogenic for Joubert syndrome. Last evaluated: 2016-09-07. Review status: no assertion criteria provided. Collection method: research. Allele origin: germline. Inheritance: Autosomal recessive inheritance. Affected: yes. Observed: 1 variant allele, 1 compound heterozygote.
Comment: This alternation and NM_015041.2:c.688C>T were determined to be in trans based on parental analysis. Genes known to cause Joubert syndrome are involved in primary cilia function and this alteration in CLUAP1 was shown to have an effect on intraflagellar transport. Additionally, this variant is rare in the ExAC database.

Literature cited by the submitters: PubMed 32999275 (cited by Gene Friend Way, National Innovation Center); PubMed 30297969 (cited by Gene Friend Way, National Innovation Center); PubMed 28679688 (cited by Biesecker Lab/Clinical Genomics Section, National Institutes of Health).

NM_015041.3(IFT38):c.338T>G (p.Met113Arg)

Gene: IFT38 (intraflagellar transport 38; plus strand). Cytogenetic location: 16p13.3.
Variant type: single nucleotide variant.
Coding change: c.338T>G on transcript NM_015041.3 (MANE Select); coding-DNA position 338, T replaced by G.
Protein change: p.Met113Arg; replaces methionine 113 with arginine.
Molecular consequence: missense variant.
Genome position (GRCh38, 1-based): chr16:3,508,407, T>G. VCF-style: chr16-3508407-T-G. GRCh37 (hg19) VCF-style: chr16-3558407-T-G.
Other names: c.338T>G, p.Met113Arg (NM_001330454.2); short protein forms M113R.
Identifiers: ClinVar variation 254179 (VCV000254179.3), dbSNP rs768663992, ClinGen allele CA7863689.